The following is an entry in ClinVar:

ClinVar aggregate classification (germline): Uncertain significance (1 of 4 stars; one submission).

Conditions:
Larsen-like syndrome, B3GAT3 type. Also called: Multiple joint dislocations, short stature, craniofacial dysmorphism, with or without congenital heart defects; MULTIPLE JOINT DISLOCATIONS, SHORT STATURE, AND CRANIOFACIAL DYSMORPHISM WITH OR WITHOUT CONGENITAL HEART DEFECTS. Identifiers: Orphanet 284139, MedGen CN034159, MONDO:0009511, OMIM 245600.

Allele frequency attached by ClinVar (database versions not stated): gnomAD exomes below 0.00001.
gnomAD v4.1: 11 of 1,612,506 alleles (0.00068%); highest among the groups gnomAD compares: African/African-American, 0.0067%; no homozygotes.

Submission:

Labcorp Genetics (formerly Invitae), Labcorp
Classification: Uncertain significance for Larsen-like syndrome, B3GAT3 type. Last evaluated: 2023-07-17. Review status: criteria provided, single submitter. Criteria: Invitae Variant Classification Sherloc (09022015). Collection method: clinical testing. Allele origin: germline.
Comment: This sequence change replaces glutamic acid, which is acidic and polar, with aspartic acid, which is acidic and polar, at codon 42 of the B3GAT3 protein (p.Glu42Asp). This variant is present in population databases (no rsID available, gnomAD 0.007%). This variant has not been reported in the literature in individuals affected with B3GAT3-related conditions. ClinVar contains an entry for this variant (Variation ID: 1493864). An algorithm developed to predict the effect of missense changes on protein structure and function (PolyPhen-2) suggests that this variant is likely to be tolerated. In summary, the available evidence is currently insufficient to determine the role of this variant in disease. Therefore, it has been classified as a Variant of Uncertain Significance.

NM_012200.4(B3GAT3):c.126G>C (p.Glu42Asp)

Gene: B3GAT3 (beta-1,3-glucuronyltransferase 3; minus strand). Cytogenetic location: 11q12.3.
Variant type: single nucleotide variant.
Coding change: c.126G>C on transcript NM_012200.4 (MANE Select); coding-DNA position 126, G replaced by C.
Protein change: p.Glu42Asp; replaces glutamic acid 42 with aspartic acid.
Molecular consequence: missense variant. On other transcripts: non-coding transcript variant (1).
Genome position (GRCh38, 1-based): chr11:62,620,628, C>G on the plus strand (G>C on the coding strand, the complement: B3GAT3 is on the minus strand). VCF-style: chr11-62620628-C-G. GRCh37 (hg19) VCF-style: chr11-62388100-C-G.
Other names: c.105G>C, p.Glu35Asp (NM_001288721.2); c.126G>C, p.Glu42Asp (NM_001288722.2, NM_001288723.2); short protein forms E35D, E42D.
Identifiers: ClinVar variation 1493864 (VCV001493864.8), dbSNP rs1188079745, ClinGen allele CA380981165.